The following is an entry in ClinVar:

ClinVar aggregate classification (germline): Benign (1 of 4 stars; one submission).

Conditions:
Keratosis follicularis (DAR). Also called: Darier disease; Darier's disease. Identifiers: Orphanet 218, MedGen C0022595, MONDO:0007417, OMIM 124200.

Allele frequency attached by ClinVar (database versions not stated): ESP Exome Variant Server 0.00024; gnomAD exomes 0.00034; gnomAD 0.00036 and 0.00038; TOPMed 0.00036; ExAC 0.00086.
gnomAD v4.1: 350 of 1,485,860 alleles (0.024%); highest among the groups gnomAD compares: Admixed American, 0.042%; 1 homozygote.

Submission:

Illumina Laboratory Services, Illumina
Classification: Benign for Keratosis follicularis. Last evaluated: 2018-01-13. Review status: criteria provided, single submitter. Criteria: ICSL Variant Classification Criteria 13 December 2019. Collection method: clinical testing. Allele origin: germline.
Comment: This variant was observed in the ICSL laboratory as part of a predisposition screen in an ostensibly healthy population. It had not been previously curated by ICSL or reported in the Human Gene Mutation Database (HGMD: prior to June 1st, 2018), and was therefore a candidate for classification through an automated scoring system. Utilizing variant allele frequency, disease prevalence and penetrance estimates, and inheritance mode, an automated score was calculated to assess if this variant is too frequent to cause the disease. Based on the score and internal cut-off values, a variant classified as benign is not then subjected to further curation. The score for this variant resulted in a classification of benign for this disease.

NM_170665.4(ATP2A2):c.-15C>T

Gene: ATP2A2 (ATPase sarcoplasmic/endoplasmic reticulum Ca2+ transporting 2; plus strand). Cytogenetic location: 12q24.11.
Variant type: single nucleotide variant.
Coding change: c.-15C>T on transcript NM_170665.4 (MANE Select); 15 bases upstream of the start codon, C replaced by T.
Molecular consequence: 5 prime UTR variant.
Genome position (GRCh38, 1-based): chr12:110,281,775, C>T. VCF-style: chr12-110281775-C-T. GRCh37 (hg19) VCF-style: chr12-110719580-C-T.
Other names: c.-15C>T (NM_001681.4).
Identifiers: ClinVar variation 307157 (VCV000307157.5), dbSNP rs373966549, ClinGen allele CA6783564.